The following is an entry in ClinVar:

ClinVar aggregate classification (germline): Likely pathogenic. Review status: criteria provided, multiple submitters, no conflicts (2 of 4 stars). 2 submissions from 2 submitters: Likely pathogenic (2). Last evaluated 2024-03-11.

Conditions:
Retinitis pigmentosa 25 (RP25). Identifiers: Orphanet 791, MedGen C1864446, MONDO:0011272, OMIM 602772.

Submissions (2):

Natera, Inc.
Classification: Likely pathogenic for Retinitis pigmentosa type 25. Last evaluated: 2024-03-11. Review status: criteria provided, single submitter. Criteria: Natera Variant Classification Schema (03/2026). Collection method: clinical testing. Allele origin: germline.
Comment: The c.1482dupA variant in EYS is a frameshift variant predicted to shift the reading frame beginning at codon 495 and leads to a stop codon 4 codons downstream. This variant is expected to result in nonsense mediated decay, truncation, or a dysfunctional protein product. This variant is rare in the general population with a frequency below the threshold expected for the associated phenotype(s). Given the available evidence, this variant is classified as Likely Pathogenic.

Baylor Genetics
Classification: Likely pathogenic for Retinitis pigmentosa 25. Last evaluated: 2023-05-07. Review status: criteria provided, single submitter. Criteria: ACMG Guidelines, 2015. Collection method: clinical testing. Allele origin: unknown.

NM_001142800.2(EYS):c.1482dup (p.Gly495fs)

Gene: EYS (EGF-like photoreceptor maintenance factor; minus strand). Cytogenetic location: 6q12.
Variant type: Duplication.
Coding change: c.1482dup on transcript NM_001142800.2 (MANE Select); coding-DNA position 1482, one base duplicated (A; older notation c.1482dupA).
Protein change: p.Gly495fs; shifts the reading frame from glycine 495.
Molecular consequence: frameshift variant.
Genome position (GRCh38, 1-based): chr6:65,344,155, T duplicated on the plus strand (A on the coding strand, the reverse complement: EYS is on the minus strand); the first of 2 consecutive T bases (chr6:65,344,155-65,344,156); duplicating either gives the same sequence. VCF-style (leftmost placement, unchanged base first): chr6-65344154-C-CT. GRCh37 (hg19) VCF-style: chr6-66054047-C-CT.
Other names: c.1482dup, p.Gly495fs (NM_001142801.2, NM_001292009.2, NM_198283.2); c.1482dupA (NM_001142800.1); short protein forms G495fs.
Identifiers: ClinVar variation 2675281 (VCV002675281.2), dbSNP rs1770307095, ClinGen allele CA1089918620.
Genomic context (GRCh38, chr6:65,344,154, plus strand): 5'-TCACATAGGTTGCATCTTCAGTGCAGTTTGCAGCCAGAAAGAAATAGGCATCAATAACCC[C>CT]TTGGCACTTTTCGCCTTCAGATCCTTTAAAAAAAAAGAGATAAAAAATTAAATAAACTCT-3'